The following is an entry in ClinVar:

ClinVar aggregate classification (germline): Pathogenic/Likely pathogenic. Review status: criteria provided, multiple submitters, no conflicts (2 of 4 stars). 3 submissions from 3 submitters: Pathogenic (2); Likely pathogenic (1). Last evaluated 2025-05-05.

Conditions:
Intellectual developmental disorder, autosomal dominant 42. Also called: Intellectual disability, autosomal dominant 42; Global developmental delay-neuro-ophthalmological abnormalities-seizures-intellectual disability syndrome; GNB1 Encephalopathy. Identifiers: Orphanet 488613, MedGen C4310774, MONDO:0014855, OMIM 616973.

Submissions (3):

Labcorp Genetics (formerly Invitae), Labcorp
Classification: Pathogenic. Last evaluated: 2025-05-05. Review status: criteria provided, single submitter. Criteria: Invitae Variant Classification Sherloc (09022015). Collection method: clinical testing. Allele origin: germline.
Comment: This sequence change replaces alanine, which is neutral and non-polar, with threonine, which is neutral and polar, at codon 73 of the GNB1 protein (p.Ala73Thr). This variant is not present in population databases (gnomAD no frequency). This missense change has been observed in individual(s) with clinical features of GNB1-associated conditions (PMID: 34646230, 35982159, 35982160, 36980980). In at least one individual the variant was observed to be de novo. ClinVar contains an entry for this variant (Variation ID: 1708250). Invitae Evidence Modeling of protein sequence and biophysical properties (such as structural, functional, and spatial information, amino acid conservation, physicochemical variation, residue mobility, and thermodynamic stability) indicates that this missense variant is expected to disrupt GNB1 protein function with a positive predictive value of 80%. This variant disrupts the p.Ala73 amino acid residue in GNB1. Other variant(s) that disrupt this residue have been determined to be pathogenic (internal data). This suggests that this residue is clinically significant, and that variants that disrupt this residue are likely to be disease-causing. For these reasons, this variant has been classified as Pathogenic.

GeneDx
Classification: Pathogenic. Last evaluated: 2025-02-13. Review status: criteria provided, single submitter. Criteria: GeneDx Variant Classification Process June 2021. Collection method: clinical testing. Allele origin: germline. Affected: yes.
Comment: In silico analysis supports that this missense variant has a deleterious effect on protein structure/function; Not observed at significant frequency in large population cohorts (gnomAD); This variant is associated with the following publications: (PMID: 35982160, 35982159, 34646230, 36980980)

Genetics Laboratory, UDIAT-Centre Diagnòstic, Hospital Universitari Parc Tauli
Classification: Likely pathogenic. Last evaluated: 2022-10-04. Review status: criteria provided, single submitter. Criteria: Parc Tauli Hospital Assertion Criteria 2021. Collection method: clinical testing. Allele origin: de novo. Inheritance: Autosomal dominant inheritance. Affected: yes.
Comment: PM1;PM2_supporting;PM6;PP2;PP3

Literature cited by the submitters: PubMed 34646230 (cited by Labcorp Genetics (formerly Invitae), Labcorp); PubMed 35982159 (cited by Labcorp Genetics (formerly Invitae), Labcorp); PubMed 35982160 (cited by Labcorp Genetics (formerly Invitae), Labcorp); PubMed 36980980 (cited by Labcorp Genetics (formerly Invitae), Labcorp).

NM_002074.5(GNB1):c.217G>A (p.Ala73Thr)

Gene: GNB1 (G protein subunit beta 1; minus strand). Cytogenetic location: 1p36.33.
Variant type: single nucleotide variant.
Coding change: c.217G>A on transcript NM_002074.5 (MANE Select); coding-DNA position 217, G replaced by A.
Protein change: p.Ala73Thr; replaces alanine 73 with threonine.
Molecular consequence: missense variant. On other transcripts: 5 prime UTR variant (1).
Genome position (GRCh38, 1-based): chr1:1,806,525, C>T on the plus strand (G>A on the coding strand, the complement: GNB1 is on the minus strand). VCF-style: chr1-1806525-C-T. GRCh37 (hg19) VCF-style: chr1-1737964-C-T.
Other names: c.217G>A (NM_002074.4); c.-84G>A (NM_001282538.2); c.217G>A, p.Ala73Thr (NM_001282539.2); short protein forms A73T.
Identifiers: ClinVar variation 1708250 (VCV001708250.5), dbSNP rs2100726769, ClinGen allele CA337916501.